The following is an entry in ClinVar:

ClinVar aggregate classification (germline): Conflicting classifications of pathogenicity. Review status: criteria provided, conflicting classifications (1 of 4 stars). 3 submissions from 3 submitters: Uncertain significance (1); Benign (1). 1 of the submissions does not count toward it. Last evaluated 2026-01-28.

Conditions:
Microcephaly 1, primary, autosomal recessive (MCPH1). Also called: PREMATURE CHROMOSOME CONDENSATION SYNDROME; PCC SYNDROME; PREMATURE CHROMOSOME CONDENSATION WITH MICROCEPHALY AND MENTAL RETARDATION. Identifiers: Orphanet 2512, MedGen C1855081, MONDO:0009617, OMIM 251200.

Allele frequency attached by ClinVar (database versions not stated): ESP Exome Variant Server 0.00016; gnomAD 0.00017 and 0.00019; TOPMed 0.00021; ExAC 0.00027; gnomAD exomes 0.00018 and 0.00033.
gnomAD v4.1: 302 of 1,613,990 alleles (0.019%); highest among the groups gnomAD compares: Admixed American, 0.005%; 2 homozygotes.

Submissions (3):

Labcorp Genetics (formerly Invitae), Labcorp
Classification: Benign. Last evaluated: 2026-01-28. Review status: criteria provided, single submitter. Criteria: Invitae Variant Classification Sherloc (09022015). Collection method: clinical testing. Allele origin: germline.

Illumina Laboratory Services, Illumina
Classification: Uncertain significance for Microcephaly 1, primary, autosomal recessive. Last evaluated: 2018-01-12. Review status: criteria provided, single submitter. Criteria: ICSL Variant Classification Criteria 13 December 2019. Collection method: clinical testing. Allele origin: germline.

Genetic Services Laboratory, University of Chicago
Classification: Likely benign. Review status: no assertion criteria provided. Collection method: clinical testing. Allele origin: germline. Inheritance: Autosomal recessive inheritance. Not counted in ClinVar's aggregate classification.
Comment: Likely benign based on allele frequency in 1000 Genomes Project or ESP global frequency and its presence in a patient with a rare or unrelated disease phenotype. NOT Sanger confirmed

NM_024596.5(MCPH1):c.2295G>A (p.Ser765=)

Genes: MCPH1 (microcephalin 1; plus strand), MCPH1-AS1 (MCPH1 antisense RNA 1; minus strand). Cytogenetic location: 8p23.1.
Variant type: single nucleotide variant.
Coding change: c.2295G>A on transcript NM_024596.5 (MANE Select); coding-DNA position 2295, G replaced by A.
Protein change: p.Ser765=; no amino-acid change (serine 765 retained).
Molecular consequence: synonymous variant. On other transcripts: non-coding transcript variant (1).
Genome position (GRCh38, 1-based): chr8:6,621,534, G>A. VCF-style: chr8-6621534-G-A. GRCh37 (hg19) VCF-style: chr8-6479055-G-A.
Other names: c.2295G>A, p.Ser765= (NM_001322042.2, NM_001363979.1); c.2016G>A, p.Ser672= (NM_001363980.2).
Identifiers: ClinVar variation 158852 (VCV000158852.16), dbSNP rs200401940, ClinGen allele CA172525.